The following is an entry in ClinVar:

ClinVar aggregate classification (germline): Conflicting classifications of pathogenicity. Review status: criteria provided, conflicting classifications (1 of 4 stars). 3 submissions from 3 submitters: Uncertain significance (1); Likely benign (2). Last evaluated 2025-02-19.

Conditions:
Inborn genetic diseases. Identifiers: MedGen C0950123, MeSH D030342.

Allele frequency attached by ClinVar (database versions not stated): gnomAD 0.00001; TOPMed 0.00001; ExAC 0.00003.
gnomAD v4.1: 19 of 1,604,874 alleles (0.0012%); highest among the groups gnomAD compares: South Asian, 0.014%; no homozygotes.

Submissions (3):

Labcorp Genetics (formerly Invitae), Labcorp
Classification: Likely benign. Last evaluated: 2025-02-19. Review status: criteria provided, single submitter. Criteria: Invitae Variant Classification Sherloc (09022015). Collection method: clinical testing. Allele origin: germline.

Ambry Genetics
Classification: Likely benign for Inborn genetic diseases. Last evaluated: 2024-12-04. Review status: criteria provided, single submitter. Criteria: Ambry Variant Classification Scheme 2023. Collection method: clinical testing. Allele origin: germline.

Women's Health and Genetics/Laboratory Corporation of America, LabCorp
Classification: Uncertain significance. Last evaluated: 2024-08-21. Review status: criteria provided, single submitter. Criteria: LabCorp Variant Classification Summary - May 2015. Collection method: clinical testing. Allele origin: germline.
Comment: Variant summary: FLNB c.3511G>C (p.Val1171Leu) results in a conservative amino acid change in the encoded protein sequence. Four of five in-silico tools predict a benign effect of the variant on protein function. The variant allele was found at a frequency of 2.8e-05 in 247162 control chromosomes, predominantly at a frequency of 0.00023 within the South Asian subpopulation in the gnomAD database. The available data on variant occurrences in the general population are insufficient to allow any conclusion about variant significance. To our knowledge, no occurrence of c.3511G>C in individuals affected with Larsen Syndrome and no experimental evidence demonstrating its impact on protein function have been reported. ClinVar contains an entry for this variant (Variation ID: 2077458). Based on the evidence outlined above, the variant was classified as uncertain significance.

NM_001457.4(FLNB):c.3511G>C (p.Val1171Leu)

Gene: FLNB (filamin B; plus strand). Cytogenetic location: 3p14.3.
Variant type: single nucleotide variant.
Coding change: c.3511G>C on transcript NM_001457.4 (MANE Select); coding-DNA position 3511, G replaced by C.
Protein change: p.Val1171Leu; replaces valine 1171 with leucine.
Molecular consequence: missense variant.
Genome position (GRCh38, 1-based): chr3:58,123,477, G>C. VCF-style: chr3-58123477-G-C. GRCh37 (hg19) VCF-style: chr3-58109204-G-C.
Other names: c.3511G>C, p.Val1171Leu (NM_001164317.2, NM_001164318.2, NM_001164319.2); c.3511G>C (NM_001457.3); short protein forms V1171L.
Identifiers: ClinVar variation 2077458 (VCV002077458.6), dbSNP rs764817484, ClinGen allele CA2468430.